The following is an entry in ClinVar:

NM_002458.3(MUC5B):c.9264G>T (p.Met3088Ile)

Genes: MUC5B (mucin 5B, oligomeric mucus/gel-forming; plus strand), MUC5B-AS1 (MUC5B antisense RNA 1; minus strand). Cytogenetic location: 11p15.5.
Variant type: single nucleotide variant.
Coding change: c.9264G>T on transcript NM_002458.3 (MANE Select); coding-DNA position 9264, G replaced by T.
Protein change: p.Met3088Ile; replaces methionine 3088 with isoleucine.
Molecular consequence: missense variant.
Genome position (GRCh38, 1-based): chr11:1,246,144, G>T. VCF-style: chr11-1246144-G-T. GRCh37 (hg19) VCF-style: chr11-1267374-G-T.
Other names: short protein forms M3088I.
Identifiers: ClinVar variation 4830380 (VCV004830380.1).
Genomic context (GRCh38, chr11:1,246,144, plus strand): 5'-CATCCCCTCCTTCACCCTTGGGACCACCGGGACCCTCCCAGAACAGACCACCACACCCAT[G>T]GCCACCATGTCCACAATCCACCCCTCCTCCACTCCGGAGACCACCCACACCTCCACAGTG-3'
Protein context (NP_002449.2, residues 3078-3098): GTLPEQTTTP[Met3088Ile]ATMSTIHPSS

ClinVar aggregate classification (germline): Uncertain significance (1 of 4 stars; one submission).

gnomAD v4.1: 30 of 1,606,952 alleles (0.0019%); highest among the groups gnomAD compares: Non-Finnish European, 0.0024%; no homozygotes.

Submission:

Ambry Genetics
Classification: Uncertain significance. Last evaluated: 2025-12-22. Review status: criteria provided, single submitter. Criteria: Ambry Variant Classification Scheme 2023. Collection method: clinical testing. Allele origin: germline.
Comment: The c.9264G>T (p.M3088I) alteration is located in exon 31 (coding exon 31) of the MUC5B gene. This alteration results from a G to T substitution at nucleotide position 9264, causing the methionine (M) at amino acid position 3088 to be replaced by an isoleucine (I). Based on data from gnomAD, the T allele has an overall frequency of 0.002% (4/248630) total alleles studied. The highest observed frequency was 0.004% (4/112638) of European (non-Finnish) alleles. Based on insufficient or conflicting evidence, the clinical significance of this alteration remains unclear.